The following is an entry in ClinVar:

NM_001388492.1(HTT):c.9306G>C (p.Gln3102His)

Gene: HTT (huntingtin; plus strand). Cytogenetic location: 4p16.3.
Variant type: single nucleotide variant.
Coding change: c.9306G>C on transcript NM_001388492.1 (MANE Select); coding-DNA position 9306, G replaced by C.
Protein change: p.Gln3102His; replaces glutamine 3102 with histidine.
Molecular consequence: missense variant.
Genome position (GRCh38, 1-based): chr4:3,239,936, G>C. VCF-style: chr4-3239936-G-C. GRCh37 (hg19) VCF-style: chr4-3241663-G-C.
Other names: c.9312G>C, p.Gln3104His (NM_002111.8); short protein forms Q3104H, Q3102H.
Identifiers: ClinVar variation 1507299 (VCV001507299.6), dbSNP rs776079306, ClinGen allele CA2825946.

ClinVar aggregate classification (germline): Uncertain significance (1 of 4 stars; one submission).

Allele frequency attached by ClinVar (database versions not stated): gnomAD exomes 0.00001; ExAC 0.00003.
gnomAD v4.1: 3 of 1,582,830 alleles (0.00019%); highest among the groups gnomAD compares: Non-Finnish European, 0.00017%; no homozygotes.

Submission:

Labcorp Genetics (formerly Invitae), Labcorp
Classification: Uncertain significance. Last evaluated: 2021-03-03. Review status: criteria provided, single submitter. Criteria: Invitae Variant Classification Sherloc (09022015). Collection method: clinical testing. Allele origin: germline.
Comment: This sequence change replaces glutamine with histidine at codon 3104 of the HTT protein (p.Gln3104His). The glutamine residue is moderately conserved and there is a small physicochemical difference between glutamine and histidine. This variant is present in population databases (rs776079306, ExAC 0.006%). This variant has not been reported in the literature in individuals with HTT-related conditions. Experimental studies and prediction algorithms are not available or were not evaluated, and the functional significance of this variant is currently unknown. In summary, the available evidence is currently insufficient to determine the role of this variant in disease. Therefore, it has been classified as a Variant of Uncertain Significance.